The following is an entry in ClinVar:

ClinVar aggregate classification (germline): Likely pathogenic (1 of 4 stars; one submission).

Conditions:
Duchenne muscular dystrophy (DMD). Also called: Duchenne Muscular Dystrophy (DMD); MUSCULAR DYSTROPHY, PSEUDOHYPERTROPHIC PROGRESSIVE, DUCHENNE TYPE. Identifiers: Orphanet 98896, MedGen C0013264, MONDO:0010679, OMIM 310200.

Submission:

3billion
Classification: Likely pathogenic for Duchenne muscular dystrophy. Last evaluated: 2025-06-18. Review status: criteria provided, single submitter. Criteria: ACMG Guidelines, 2015. Collection method: clinical testing. Allele origin: germline. Affected: yes.
Comment: The variant is not observed in the gnomAD v4.1.0 dataset. Predicted Consequence/Location: Frameshift: predicted to result in a loss or disruption of normal protein function through nonsense-mediated decay (NMD) or protein truncation. Multiple pathogenic variants are reported downstream of the variant. Therefore, this variant is classified as Likely pathogenic according to the recommendation of ACMG/AMP guideline.

NM_004006.3(DMD):c.4493_4496dup (p.Gln1499fs)

Gene: DMD (dystrophin; minus strand). Cytogenetic location: Xp21.1.
Variant type: Duplication.
Coding change: c.4493_4496dup on transcript NM_004006.3 (MANE Select); coding-DNA positions 4493 to 4496, 4 bases duplicated (TACA; older notation c.4493_4496dupTACA).
Protein change: p.Gln1499fs; shifts the reading frame from glutamine 1499.
Molecular consequence: frameshift variant.
Genome position (GRCh38, 1-based): chrX:32,389,523-32,389,526, TGTA duplicated on the plus strand (TACA on the coding strand, the reverse complement: DMD is on the minus strand). VCF-style (leftmost placement, unchanged base first): chrX-32389522-C-CTGTA. GRCh37 (hg19) VCF-style: chrX-32407639-C-CTGTA.
Other names: c.4469_4472dup, p.Gln1491fs (NM_000109.4); c.4481_4484dup, p.Gln1495fs (NM_004009.3); c.4124_4127dup, p.Gln1376fs (NM_004010.3); c.470_473dup, p.Gln158fs (NM_004011.4); c.461_464dup, p.Gln155fs (NM_004012.4); short protein forms Q1376fs, Q1491fs, Q1495fs, Q1499fs, Q155fs, Q158fs.
Identifiers: ClinVar variation 4856253 (VCV004856253.1).
Genomic context (GRCh38, chrX:32,389,522, plus strand): 5'-TCAAGGGGTACCTGCGTATTTGCCACCAGAAATACATACCACACAATGATTTAGCTGTGA[C>CTGTA]TGTACTACTTCCTGTTCCACACTCTTTGTTTCCAATGCAGGCAAGTGCATCTTCACTTCA-3'